The following is an entry in ClinVar:

NM_000352.6(ABCC8):c.3330-13G>A

Gene: ABCC8 (ATP binding cassette subfamily C member 8; minus strand). Cytogenetic location: 11p15.1.
Variant type: single nucleotide variant.
Coding change: c.3330-13G>A on transcript NM_000352.6 (MANE Select); 13 bases into the intron before coding-DNA position 3330, G replaced by A.
Molecular consequence: intron variant.
Genome position (GRCh38, 1-based): chr11:17,405,576, C>T on the plus strand (G>A on the coding strand, the complement: ABCC8 is on the minus strand). VCF-style: chr11-17405576-C-T. GRCh37 (hg19) VCF-style: chr11-17427123-C-T.
Other names: NM_001287174.3:c.3333-13G>A; c.3327-13G>A (NM_001351297.2); c.3330-13G>A (NM_001351296.2); c.3396-13G>A (NM_001351295.2); c.3333-13G>A (NM_001287174.3).
Identifiers: ClinVar variation 2576204 (VCV002576204.1), dbSNP rs1264980250, ClinGen allele CA597665266.

ClinVar aggregate classification (germline): Uncertain significance (1 of 4 stars; one submission).

Conditions:
Hyperinsulinemic hypoglycemia, familial, 1 (HHF1). Also called: HYPERINSULINISM, FAMILIAL, WITH PANCREATIC NESIDIOBLASTOSIS; HYPOGLYCEMIA, HYPERINSULINEMIC, OF INFANCY; Persistent Hyperinsulinemia Hypoglycemia of Infancy; NESIDIOBLASTOSIS OF PANCREAS; Persistent hyperinsulinemic hypoglycemia of infancy. Identifiers: Orphanet 276575, Orphanet 276598, MedGen C2931832, MONDO:0009734, OMIM 256450.

Allele frequency attached by ClinVar (database versions not stated): gnomAD 0.00001; gnomAD exomes 0.00001.
gnomAD v4.1: 4 of 1,614,080 alleles (0.00025%); highest among the groups gnomAD compares: Non-Finnish European, 0.00034%; no homozygotes.

Submission:

Broad Center for Mendelian Genomics, Broad Institute of MIT and Harvard
Classification: Uncertain significance for Hyperinsulinemic hypoglycemia, familial, 1. Last evaluated: 2023-08-16. Review status: criteria provided, single submitter. Criteria: ACMG Guidelines, 2015. Collection method: curation. Allele origin: germline. Inheritance: Autosomal recessive inheritance.
Comment: The c.3330-13G>A variant in ABCC8 has been previously reported in 1 individual, in the compound heterozygous state, with hyperinsulinemic hypoglycemia (PMID: 32202736) and has been seen in 0.002% (2/129110) of European (non-Finnish) chromosomes by the Genome Aggregation Database(gnomAD; dbSNP: rs1264980250). Although this variant has been seen in the general population in a heterozygous state, its frequency is low enough to be consistent with a recessive carrier frequency. Computational prediction tools and conservation analyses suggest that this variant may impact the protein, though this information is not predictive enough to determine pathogenicity. In summary, the clinical significance of the c.3330-13G>A variant is uncertain. ACMG/AMP Criteria applied: PM3, PP3, PM2_supporting (Richards 2015).